The following is an entry in ClinVar:

NM_152564.5(VPS13B):c.11352dup (p.Ile3785fs)

Gene: VPS13B (vacuolar protein sorting 13 homolog B; plus strand). Cytogenetic location: 8q22.2.
Variant type: Duplication.
Coding change: c.11352dup on transcript NM_152564.5 (MANE Select); coding-DNA position 11352, one base duplicated (C; older notation c.11352dupC).
Protein change: p.Ile3785fs; shifts the reading frame from isoleucine 3785.
Molecular consequence: frameshift variant.
Genome position (GRCh38, 1-based): chr8:99,868,425, C duplicated; the last of 3 consecutive C bases (chr8:99,868,423-99,868,425); duplicating any one gives the same sequence. VCF-style (leftmost placement, unchanged base first): chr8-99868422-G-GC. GRCh37 (hg19) VCF-style: chr8-100880650-G-GC.
Other names: c.11427dup, p.Ile3810fs (NM_017890.5); short protein forms I3785fs, I3810fs.
Identifiers: ClinVar variation 2763438 (VCV002763438.3), dbSNP rs2492347312, ClinGen allele CA2697550081.

ClinVar aggregate classification (germline): Pathogenic (1 of 4 stars; one submission).

Conditions:
Cohen syndrome (COH1). Also called: PEPPER SYNDROME; Cutis verticis gyrata, retinitis pigmentosa, and sensorineural deafness. Identifiers: Orphanet 193, MedGen C0265223, MONDO:0008999, OMIM 216550.

Submission:

Labcorp Genetics (formerly Invitae), Labcorp
Classification: Pathogenic for Cohen syndrome. Last evaluated: 2023-09-26. Review status: criteria provided, single submitter. Criteria: Invitae Variant Classification Sherloc (09022015). Collection method: clinical testing. Allele origin: germline.
Comment: For these reasons, this variant has been classified as Pathogenic. This variant has not been reported in the literature in individuals affected with VPS13B-related conditions. This variant is not present in population databases (gnomAD no frequency). This sequence change creates a premature translational stop signal (p.Ile3810Hisfs*6) in the VPS13B gene. It is expected to result in an absent or disrupted protein product. Loss-of-function variants in VPS13B are known to be pathogenic (PMID: 15141358, 16648375, 20461111).

Literature cited by the submitters: PubMed 15141358; PubMed 16648375; PubMed 20461111.